The following is an entry in ClinVar:

NM_001303256.3(MORC2):c.342T>C (p.Asp114=)

Gene: MORC2 (MORC family CW-type zinc finger 2; minus strand). Cytogenetic location: 22q12.2.
Variant type: single nucleotide variant.
Coding change: c.342T>C on transcript NM_001303256.3 (MANE Select); coding-DNA position 342, T replaced by C.
Protein change: p.Asp114=; no amino-acid change (aspartic acid 114 retained).
Molecular consequence: synonymous variant.
Genome position (GRCh38, 1-based): chr22:30,946,425, A>G on the plus strand (T>C on the coding strand, the complement: MORC2 is on the minus strand). VCF-style: chr22-30946425-A-G. GRCh37 (hg19) VCF-style: chr22-31342412-A-G.
Other names: c.342T>C, p.Asp114= (NM_001303257.2); c.156T>C, p.Asp52= (NM_014941.3).
Identifiers: ClinVar variation 710551 (VCV000710551.13), dbSNP rs770837363, ClinGen allele CA10187283.

ClinVar aggregate classification (germline): Likely benign. Review status: criteria provided, single submitter (1 of 4 stars). 2 submissions from 2 submitters: Likely benign (1). 1 of the submissions does not count toward it. Last evaluated 2025-08-02.

Conditions:
Charcot-Marie-Tooth disease axonal type 2Z. Also called: CHARCOT-MARIE-TOOTH DISEASE, AXONAL, AUTOSOMAL DOMINANT, TYPE 2Z; CHARCOT-MARIE-TOOTH NEUROPATHY, TYPE 2Z. Identifiers: Orphanet 466768, MedGen C5569025, MONDO:0014736, OMIM 616688.
MORC2-related disorder. Also called: MORC2-related condition.

Allele frequency attached by ClinVar (database versions not stated): gnomAD 0.00003; TOPMed 0.00003; gnomAD exomes 0.00005 and 0.00008; ExAC 0.00012.
gnomAD v4.1: 93 of 1,610,172 alleles (0.0058%); highest among the groups gnomAD compares: Non-Finnish European, 0.0058%; no homozygotes.

Submissions (2):

Labcorp Genetics (formerly Invitae), Labcorp
Classification: Likely benign for Charcot-Marie-Tooth disease axonal type 2Z. Last evaluated: 2025-08-02. Review status: criteria provided, single submitter. Criteria: Invitae Variant Classification Sherloc (09022015). Collection method: clinical testing. Allele origin: germline.

PreventionGenetics, part of Exact Sciences
Classification: Likely benign for MORC2-related condition. Last evaluated: 2019-03-28. Review status: no assertion criteria provided. Collection method: clinical testing. Allele origin: germline. Not counted in ClinVar's aggregate classification.
Comment: This variant is classified as likely benign based on ACMG/AMP sequence variant interpretation guidelines (Richards et al. 2015 PMID: 25741868, with internal and published modifications).